The following is an entry in ClinVar:

ClinVar aggregate classification (germline): Uncertain significance (1 of 4 stars; one submission).

gnomAD v4.1: 13 of 1,612,820 alleles (0.00081%); highest among the groups gnomAD compares: Non-Finnish European, 0.0011%; no homozygotes.

Submission:

Labcorp Genetics (formerly Invitae), Labcorp
Classification: Uncertain significance. Last evaluated: 2025-07-16. Review status: criteria provided, single submitter. Criteria: Invitae Variant Classification Sherloc (09022015). Collection method: clinical testing. Allele origin: germline.
Comment: This sequence change replaces glutamic acid, which is acidic and polar, with glutamine, which is neutral and polar, at codon 785 of the PDE6B protein (p.Glu785Gln). This variant is not present in population databases (gnomAD no frequency). This variant has not been reported in the literature in individuals affected with PDE6B-related conditions. ClinVar contains an entry for this variant (Variation ID: 1941168). An algorithm developed to predict the effect of missense changes on protein structure and function (PolyPhen-2) suggests that this variant is likely to be disruptive. Algorithms developed to predict the effect of sequence changes on RNA splicing suggest that this variant may disrupt the consensus splice site. In summary, the available evidence is currently insufficient to determine the role of this variant in disease. Therefore, it has been classified as a Variant of Uncertain Significance.

NM_000283.4(PDE6B):c.2353G>C (p.Glu785Gln)

Gene: PDE6B (phosphodiesterase 6B; plus strand). Cytogenetic location: 4p16.3.
Variant type: single nucleotide variant.
Coding change: c.2353G>C on transcript NM_000283.4 (MANE Select); coding-DNA position 2353, G replaced by C.
Protein change: p.Glu785Gln; replaces glutamic acid 785 with glutamine.
Molecular consequence: missense variant.
Genome position (GRCh38, 1-based): chr4:667,856, G>C. VCF-style: chr4-667856-G-C. GRCh37 (hg19) VCF-style: chr4-661645-G-C.
Other names: c.2353G>C, p.Glu785Gln (NM_001145291.2); c.1516G>C, p.Glu506Gln (NM_001145292.2, NM_001350154.3, NM_001379246.1 and 1 more transcripts); c.1198G>C, p.Glu400Gln (NM_001350155.3); short protein forms E785Q, E400Q, E506Q.
Identifiers: ClinVar variation 1941168 (VCV001941168.5), dbSNP rs1211131572, ClinGen allele CA355920380.